The following is an entry in ClinVar:

NM_004484.4(GPC3):c.1292+6C>T

Gene: GPC3 (glypican 3; minus strand). Cytogenetic location: Xq26.2.
Variant type: single nucleotide variant.
Coding change: c.1292+6C>T on transcript NM_004484.4 (MANE Select); 6 bases into the intron after coding-DNA position 1292, C replaced by T.
Molecular consequence: intron variant.
Genome position (GRCh38, 1-based): chrX:133,692,363, G>A on the plus strand (C>T on the coding strand, the complement: GPC3 is on the minus strand). VCF-style: chrX-133692363-G-A. GRCh37 (hg19) VCF-style: chrX-132826391-G-A.
Other names: c.1130+6C>T (NM_001164619.2); c.1244+6C>T (NM_001164618.2); c.1361+6C>T (NM_001164617.2).
Identifiers: ClinVar variation 1016304 (VCV001016304.8), dbSNP rs1207247416, ClinGen allele CA644541561.

ClinVar aggregate classification (germline): Uncertain significance. Review status: criteria provided, multiple submitters, no conflicts (2 of 4 stars). 2 submissions from 2 submitters: Uncertain significance (2). Last evaluated 2023-09-03.

Conditions:
Wilms tumor 1 (WT1). Also called: Wilms tumor, somatic. Identifiers: Orphanet 654, MedGen CN033288, MONDO:0008679, OMIM 194070.
Simpson-Golabi-Behmel syndrome type 1 (SGBS1). Also called: GPC3-Related Simpson-Golabi-Behmel Syndrome Type 1; SIMPSON DYSMORPHIA SYNDROME; BULLDOG SYNDROME; DYSPLASIA GIGANTISM SYNDROME, X-LINKED; GOLABI-ROSEN SYNDROME. Identifiers: Orphanet 373, MedGen C0796154, MONDO:0020602, OMIM 312870.

Allele frequency attached by ClinVar (database versions not stated): gnomAD exomes below 0.00001 and 0.00001.
gnomAD v4.1: 1 of 1,210,035 alleles (0.000083%); highest among the groups gnomAD compares: Admixed American, 0.0022%; no homozygotes.

Submissions (2):

Labcorp Genetics (formerly Invitae), Labcorp
Classification: Uncertain significance for Wilms tumor 1. Last evaluated: 2023-09-03. Review status: criteria provided, single submitter. Criteria: Invitae Variant Classification Sherloc (09022015). Collection method: clinical testing. Allele origin: germline.
Comment: In summary, the available evidence is currently insufficient to determine the role of this variant in disease. Therefore, it has been classified as a Variant of Uncertain Significance. Variants that disrupt the consensus splice site are a relatively common cause of aberrant splicing (PMID: 17576681, 9536098). Algorithms developed to predict the effect of sequence changes on RNA splicing suggest that this variant is not likely to affect RNA splicing. ClinVar contains an entry for this variant (Variation ID: 1016304). This variant has not been reported in the literature in individuals affected with GPC3-related conditions. This variant is present in population databases (no rsID available, gnomAD 0.004%). This sequence change falls in intron 5 of the GPC3 gene. It does not directly change the encoded amino acid sequence of the GPC3 protein. It affects a nucleotide within the consensus splice site.

Fulgent Genetics
Classification: Uncertain significance for Wilms tumor 1; Simpson-Golabi-Behmel syndrome type 1. Last evaluated: 2022-04-19. Review status: criteria provided, single submitter. Criteria: ACMG Guidelines, 2015. Collection method: clinical testing. Allele origin: unknown.

Literature cited by the submitters: PubMed 17576681 (cited by Labcorp Genetics (formerly Invitae), Labcorp); PubMed 9536098 (cited by Labcorp Genetics (formerly Invitae), Labcorp).